The following is an entry in ClinVar:

ClinVar aggregate classification (germline): Likely pathogenic (1 of 4 stars; one submission).

Allele frequency attached by ClinVar (database versions not stated): gnomAD exomes below 0.00001 and 0.00001.
gnomAD v4.1: 8 of 1,614,074 alleles (0.0005%); highest among the groups gnomAD compares: Admixed American, 0.0067%; no homozygotes.

Submission:

Labcorp Genetics (formerly Invitae), Labcorp
Classification: Likely pathogenic. Last evaluated: 2024-12-02. Review status: criteria provided, single submitter. Criteria: Invitae Variant Classification Sherloc (09022015). Collection method: clinical testing. Allele origin: germline.
Comment: This sequence change affects a donor splice site in intron 7 of the ABHD12 gene. It is expected to disrupt RNA splicing. Variants that disrupt the donor or acceptor splice site typically lead to a loss of protein function (PMID: 16199547), and loss-of-function variants in ABHD12 are known to be pathogenic (PMID: 20797687). This variant is present in population databases (rs201317014, gnomAD 0.003%). This variant has not been reported in the literature in individuals affected with ABHD12-related conditions. ClinVar contains an entry for this variant (Variation ID: 970278). Algorithms developed to predict the effect of sequence changes on RNA splicing suggest that this variant may disrupt the consensus splice site. In summary, the currently available evidence indicates that the variant is pathogenic, but additional data are needed to prove that conclusively. Therefore, this variant has been classified as Likely Pathogenic.

Literature cited by the submitters: PubMed 16199547; PubMed 20797687.

NM_001042472.3(ABHD12):c.749+1G>A

Genes: ABHD12 (abhydrolase domain containing 12, lysophospholipase; minus strand), LOC126863008 (CDK7 strongly-dependent group 2 enhancer GRCh37_chr20:25289826-25291025; plus strand). Cytogenetic location: 20p11.21.
Variant type: single nucleotide variant.
Coding change: c.749+1G>A on transcript NM_001042472.3 (MANE Select); the canonical splice donor site of the intron after coding-DNA position 749, G replaced by A.
Molecular consequence: splice donor variant.
Genome position (GRCh38, 1-based): chr20:25,309,445, C>T on the plus strand (G>A on the coding strand, the complement: ABHD12 is on the minus strand). VCF-style: chr20-25309445-C-T. GRCh37 (hg19) VCF-style: chr20-25290081-C-T.
Other names: c.749+1G>A (NM_015600.5).
Identifiers: ClinVar variation 970278 (VCV000970278.8), dbSNP rs201317014, ClinGen allele CA313720666.